The following is an entry in ClinVar:

ClinVar aggregate classification (germline): Uncertain significance (1 of 4 stars; one submission).

Conditions:
Hereditary diffuse gastric adenocarcinoma (HDGC). Also called: DIFFUSE GASTRIC AND LOBULAR BREAST CANCER SYNDROME. Identifiers: Orphanet 26106, MedGen C1708349, MONDO:0007648, OMIM 137215.

Submission:

Labcorp Genetics (formerly Invitae), Labcorp
Classification: Uncertain significance for Hereditary diffuse gastric adenocarcinoma. Last evaluated: 2025-02-25. Review status: criteria provided, single submitter. Criteria: Invitae Variant Classification Sherloc (09022015). Collection method: clinical testing. Allele origin: germline.
Comment: This sequence change replaces lysine, which is basic and polar, with arginine, which is basic and polar, at codon 109 of the CDH1 protein (p.Lys109Arg). This variant is not present in population databases (gnomAD no frequency). This variant has not been reported in the literature in individuals affected with CDH1-related conditions. An algorithm developed to predict the effect of missense changes on protein structure and function (PolyPhen-2) suggests that this variant is likely to be tolerated. In summary, the available evidence is currently insufficient to determine the role of this variant in disease. Therefore, it has been classified as a Variant of Uncertain Significance.

NM_004360.5(CDH1):c.326A>G (p.Lys109Arg)

Gene: CDH1 (cadherin 1; plus strand). Cytogenetic location: 16q22.1.
Variant type: single nucleotide variant.
Coding change: c.326A>G on transcript NM_004360.5 (MANE Select); coding-DNA position 326, A replaced by G.
Protein change: p.Lys109Arg; replaces lysine 109 with arginine.
Molecular consequence: missense variant. On other transcripts: 5 prime UTR variant (2).
Genome position (GRCh38, 1-based): chr16:68,801,832, A>G. VCF-style: chr16-68801832-A-G. GRCh37 (hg19) VCF-style: chr16-68835735-A-G.
Other names: c.326A>G, p.Lys109Arg (NM_001317184.2); c.-1290A>G (NM_001317185.2); c.-1494A>G (NM_001317186.2); short protein forms K109R.
Identifiers: ClinVar variation 4713765 (VCV004713765.1).
Genomic context (GRCh38, chr16:68,801,832, plus strand): 5'-TACGGTTTCATAACCCACAGATCCATTTCTTGGTCTACGCCTGGGACTCCACCTACAGAA[A>G]GTTTTCCACCAAAGTCACGCTGAATACAGTGGGGCACCACCACCGCCCCCCGCCCCATCA-3'
Protein context (NP_004351.1, residues 99-119): LVYAWDSTYR[Lys109Arg]FSTKVTLNTV